The following is an entry in ClinVar:

ClinVar aggregate classification (germline): Uncertain significance (0 of 4 stars; one submission).

Conditions:
CHD5-related disorder. Also called: CHD5-related condition.

gnomAD v4.1: 3 of 1,613,046 alleles (0.00019%); highest among the groups gnomAD compares: South Asian, 0.0011%; no homozygotes.

Submission:

PreventionGenetics, part of Exact Sciences
Classification: Uncertain significance for CHD5-related condition. Last evaluated: 2024-09-17. Review status: no assertion criteria provided. Collection method: clinical testing. Allele origin: germline.
Comment: The CHD5 c.4724A>G variant is predicted to result in the amino acid substitution p.Tyr1575Cys. To our knowledge, this variant has not been reported in the literature. This variant is reported in 0.0033% of alleles in individuals of South Asian descent in gnomAD. At this time, the clinical significance of this variant is uncertain due to the absence of conclusive functional and genetic evidence.

NM_015557.3(CHD5):c.4724A>G (p.Tyr1575Cys)

Gene: CHD5 (chromodomain helicase DNA binding protein 5; minus strand). Cytogenetic location: 1p36.31.
Variant type: single nucleotide variant.
Coding change: c.4724A>G on transcript NM_015557.3 (MANE Select); coding-DNA position 4724, A replaced by G.
Protein change: p.Tyr1575Cys; replaces tyrosine 1575 with cysteine.
Molecular consequence: missense variant.
Genome position (GRCh38, 1-based): chr1:6,121,549, T>C on the plus strand (A>G on the coding strand, the complement: CHD5 is on the minus strand). VCF-style: chr1-6121549-T-C. GRCh37 (hg19) VCF-style: chr1-6181609-T-C.
Other names: short protein forms Y1575C.
Identifiers: ClinVar variation 3358690 (VCV003358690.1).
Genomic context (GRCh38, chr1:6,121,549, plus strand): 5'-CACACCTGGACTTCCAGGGGCTGCCTTGGCTTCTGTGCCCCGGGGTCTTTCTCATCCATG[T>C]AGCCCAGCTGGGCTTCCATTTTGTCTGAAAGATCAAGGGAAAGAGCTGAGACAGGTGGGC-3'
Protein context (NP_056372.1, residues 1565-1585): LPDKMEAQLG[Tyr1575Cys]MDEKDPGAQK